The following is an entry in ClinVar:

ClinVar aggregate classification (germline): Benign (1 of 4 stars; one submission).

Submission:

GeneDx
Classification: Benign. Last evaluated: 2018-06-19. Review status: criteria provided, single submitter. Criteria: GeneDx Variant Classification (06012015). Collection method: clinical testing. Allele origin: germline. Affected: yes.
Comment: This variant is considered likely benign or benign based on one or more of the following criteria: it is a conservative change, it occurs at a poorly conserved position in the protein, it is predicted to be benign by multiple in silico algorithms, and/or has population frequency not consistent with disease.

NM_001105206.3(LAMA4):c.1817+168GTTG[5]

Gene: LAMA4 (laminin subunit alpha 4; minus strand). Cytogenetic location: 6q21.
Variant type: Microsatellite.
Coding change: c.1817+168GTTG[5] on transcript NM_001105206.3 (MANE Select); five copies in a row of the 4-base unit GTTG starting at c.1817+168; the reference has six copies in a row; one copy, 4 bases deleted.
Molecular consequence: intron variant.
Genome position (GRCh38, 1-based): chr6:112,158,541-112,158,544, CAAC deleted on the plus strand (GTTG on the coding strand, the reverse complement: LAMA4 is on the minus strand); deleting any 4 consecutive bases within chr6:112,158,541-112,158,567 gives the same sequence; the position shown is the placement nearest the transcript's 3' end. VCF-style (leftmost placement, unchanged base first): chr6-112158540-ACAAC-A. GRCh37 (hg19) VCF-style: chr6-112479742-ACAAC-A.
Other names: c.1796+168GTTG[5] (NM_002290.5, NM_001105207.3).
Identifiers: ClinVar variation 675406 (VCV000675406.1), dbSNP rs3833961, ClinGen allele CA451589390.
Genomic context (GRCh38, chr6:112,158,540, plus strand): 5'-AATAAAAAAGACCAGCTCCCCCAAACAATTGCAATGAACAATGATGGACTCTCAGATGGA[ACAAC>A]CAACCAACCAACCAACCAACCAAGCAACCAAGGAACCAACCAACCAACCAACATATCAAC-3'